The following is an entry in ClinVar:

ClinVar aggregate classification (germline): Uncertain significance (1 of 4 stars; one submission).

Allele frequency attached by ClinVar (database versions not stated): gnomAD 0.00001; gnomAD exomes 0.00001; ExAC 0.00003; TOPMed 0.00003.
gnomAD v4.1: 17 of 1,614,086 alleles (0.0011%); highest among the groups gnomAD compares: Non-Finnish European, 0.0014%; no homozygotes.

Submission:

Labcorp Genetics (formerly Invitae), Labcorp
Classification: Uncertain significance. Last evaluated: 2024-05-16. Review status: criteria provided, single submitter. Criteria: Invitae Variant Classification Sherloc (09022015). Collection method: clinical testing. Allele origin: germline.
Comment: This sequence change replaces arginine, which is basic and polar, with serine, which is neutral and polar, at codon 1024 of the LRP5 protein (p.Arg1024Ser). This variant is present in population databases (rs760044208, gnomAD 0.004%). This variant has not been reported in the literature in individuals affected with LRP5-related conditions. ClinVar contains an entry for this variant (Variation ID: 1909001). Advanced modeling of protein sequence and biophysical properties (such as structural, functional, and spatial information, amino acid conservation, physicochemical variation, residue mobility, and thermodynamic stability) performed at Invitae indicates that this missense variant is not expected to disrupt LRP5 protein function with a negative predictive value of 95%. In summary, the available evidence is currently insufficient to determine the role of this variant in disease. Therefore, it has been classified as a Variant of Uncertain Significance.

NM_002335.4(LRP5):c.3072G>T (p.Arg1024Ser)

Gene: LRP5 (LDL receptor related protein 5; plus strand). Cytogenetic location: 11q13.2.
Variant type: single nucleotide variant.
Coding change: c.3072G>T on transcript NM_002335.4 (MANE Select); coding-DNA position 3072, G replaced by T.
Protein change: p.Arg1024Ser; replaces arginine 1024 with serine.
Molecular consequence: missense variant.
Genome position (GRCh38, 1-based): chr11:68,423,533, G>T. VCF-style: chr11-68423533-G-T. GRCh37 (hg19) VCF-style: chr11-68191001-G-T.
Other names: c.1329G>T, p.Arg443Ser (NM_001291902.2); short protein forms R443S, R1024S.
Identifiers: ClinVar variation 1909001 (VCV001909001.5), dbSNP rs760044208, ClinGen allele CA6149840.